The following is an entry in ClinVar:

NM_007118.4(TRIO):c.6900_6908dup (p.Gly2304_Gly2305insSerGlyGly)

Gene: TRIO (trio Rho guanine nucleotide exchange factor; plus strand). Cytogenetic location: 5p15.2.
Variant type: Duplication.
Coding change: c.6900_6908dup on transcript NM_007118.4 (MANE Select); coding-DNA positions 6900 to 6908, 9 bases duplicated (GGGCAGCGG; older notation c.6900_6908dupGGGCAGCGG).
Protein change: p.Gly2304_Gly2305insSerGlyGly.
Molecular consequence: inframe insertion. On other transcripts: non-coding transcript variant (1).
Genome position (GRCh38, 1-based): chr5:14,487,528-14,487,536, GGGCAGCGG duplicated; duplicating any 9 consecutive bases within chr5:14,487,520-14,487,536 gives the same sequence; the c. name uses the placement nearest the transcript's 3' end. VCF-style (leftmost placement, unchanged base first): chr5-14487519-C-CGGCAGCGGG. GRCh37 (hg19) VCF-style: chr5-14487628-C-CGGCAGCGGG.
Identifiers: ClinVar variation 2655340 (VCV002655340.24), dbSNP rs1268277431, ClinGen allele CA805089633.

ClinVar aggregate classification (germline): Uncertain significance (1 of 4 stars; one submission).

Submission:

CeGaT Center for Human Genetics Tuebingen
Classification: Uncertain significance. Last evaluated: 2022-10-01. Review status: criteria provided, single submitter. Criteria: CeGaT Center For Human Genetics Tuebingen Variant Classification Criteria Version 2. Collection method: clinical testing. Allele origin: germline. Affected: yes. Observed: 1 variant allele.
Comment: TRIO: PM2